The following is an entry in ClinVar:

NM_002016.2(FLG):c.5614A>T (p.Lys1872Ter)

Genes: CCDST (cervical cancer associated DHX9 suppressive transcript; plus strand), FLG (filaggrin; minus strand). Cytogenetic location: 1q21.3.
Variant type: single nucleotide variant.
Coding change: c.5614A>T on transcript NM_002016.2 (MANE Select); coding-DNA position 5614, A replaced by T.
Protein change: p.Lys1872Ter; replaces lysine 1872 with a stop codon.
Molecular consequence: nonsense.
Genome position (GRCh38, 1-based): chr1:152,309,272, T>A on the plus strand (A>T on the coding strand, the complement: FLG is on the minus strand). VCF-style: chr1-152309272-T-A. GRCh37 (hg19) VCF-style: chr1-152281748-T-A.
Other names: short protein forms K1872*.
Identifiers: ClinVar variation 3372475 (VCV003372475.4).
Genomic context (GRCh38, chr1:152,309,272, plus strand): 5'-CCCGAGAGGAAGCTTCATGGTGACGCGACCCTGAGTGCCTGGAGCCGTCTCCTGATTGTT[T>A]CTCATTACGTGTTTGTCTGCTGACACTTCTGGATCCTGACTGCCCACGGGAGACATCAGA-3'

ClinVar aggregate classification (germline): Pathogenic/Likely pathogenic. Review status: criteria provided, multiple submitters, no conflicts (2 of 4 stars). 2 submissions from 2 submitters: Pathogenic (1); Likely pathogenic (1). Last evaluated 2025-07-30.

gnomAD v4.1: 2 of 1,612,670 alleles (0.00012%); highest among the groups gnomAD compares: Admixed American, 0.0017%; no homozygotes.

Submissions (2):

GeneDx
Classification: Pathogenic. Last evaluated: 2025-07-30. Review status: criteria provided, single submitter. Criteria: GeneDx Variant Classification Process June 2021. Collection method: clinical testing. Allele origin: germline. Affected: yes.
Comment: Has not been previously published as pathogenic or benign to our knowledge; Not observed at significant frequency in large population cohorts (gnomAD); Nonsense variant predicted to result in protein truncation, as the last 2190 amino acid(s) are lost, and other loss-of-function variants have been reported downstream in HGMD; This variant is associated with the following publications: (PMID: 16444271)

Dasa
Classification: Likely pathogenic. Last evaluated: 2025-04-24. Review status: criteria provided, single submitter. Criteria: DASA Assertion Criteria. Collection method: clinical testing. Allele origin: germline.
Comment: NM_002016.2(FLG):c.5614A>T (p.Lys1872*) is a nonsense variant in FLG predicted to introduce a premature termination codon and is predicted to result in an absent or altered protein product. Loss of function is an established disease mechanism for FLG (PMID: 16444271; PMID: 27793761; PMID: 27667308). Also, this variant is rare in population databases. Based on the currently available evidence, this variant is classified as likely pathogenic.

Literature cited by the submitters: PubMed 16444271 (cited by Dasa); PubMed 27793761 (cited by Dasa); PubMed 27667308 (cited by Dasa).